The following is an entry in ClinVar:

ClinVar aggregate classification (germline): Uncertain significance (1 of 4 stars; one submission).

Conditions:
PCNT-related disorder. Also called: PCNT-related condition.

gnomAD v4.1: 49 of 1,614,180 alleles (0.003%); highest among the groups gnomAD compares: Non-Finnish European, 0.0037%; no homozygotes.

Submission:

PreventionGenetics, part of Exact Sciences
Classification: Uncertain significance for PCNT-related condition. Last evaluated: 2025-12-03. Review status: criteria provided, single submitter. Criteria: ACMG Guidelines, 2015. Collection method: clinical testing. Allele origin: germline.
Comment: The PCNT c.2032A>G variant is predicted to result in the amino acid substitution p.Lys678Glu. To our knowledge, this variant has not been reported in the literature. This variant is reported in 0.0026% of alleles in individuals of European (Non-Finnish) descent in gnomAD. At this time, the clinical significance of this variant is uncertain due to the absence of conclusive functional and genetic evidence.

NM_006031.6(PCNT):c.2032A>G (p.Lys678Glu)

Gene: PCNT (pericentrin; plus strand). Cytogenetic location: 21q22.3.
Variant type: single nucleotide variant.
Coding change: c.2032A>G on transcript NM_006031.6 (MANE Select); coding-DNA position 2032, A replaced by G.
Protein change: p.Lys678Glu; replaces lysine 678 with glutamic acid.
Molecular consequence: missense variant.
Genome position (GRCh38, 1-based): chr21:46,357,069, A>G. VCF-style: chr21-46357069-A-G. GRCh37 (hg19) VCF-style: chr21-47776984-A-G.
Other names: c.1678A>G, p.Lys560Glu (NM_001315529.2); short protein forms K678E, K560E.
Identifiers: ClinVar variation 4988113 (VCV004988113.1).